The following is an entry in ClinVar:

ClinVar aggregate classification (germline): Uncertain significance (1 of 4 stars; one submission).

Submission:

Labcorp Genetics (formerly Invitae), Labcorp
Classification: Uncertain significance. Last evaluated: 2023-12-25. Review status: criteria provided, single submitter. Criteria: Invitae Variant Classification Sherloc (09022015). Collection method: clinical testing. Allele origin: germline.
Comment: This sequence change replaces glycine, which is neutral and non-polar, with tryptophan, which is neutral and slightly polar, at codon 147 of the UBR1 protein (p.Gly147Trp). This variant is not present in population databases (gnomAD no frequency). This variant has not been reported in the literature in individuals affected with UBR1-related conditions. Advanced modeling of protein sequence and biophysical properties (such as structural, functional, and spatial information, amino acid conservation, physicochemical variation, residue mobility, and thermodynamic stability) performed at Invitae indicates that this missense variant is expected to disrupt UBR1 protein function with a positive predictive value of 80%. In summary, the available evidence is currently insufficient to determine the role of this variant in disease. Therefore, it has been classified as a Variant of Uncertain Significance.

NM_174916.3(UBR1):c.439G>T (p.Gly147Trp)

Gene: UBR1 (ubiquitin protein ligase E3 component n-recognin 1; minus strand). Cytogenetic location: 15q15.2.
Variant type: single nucleotide variant.
Coding change: c.439G>T on transcript NM_174916.3 (MANE Select); coding-DNA position 439, G replaced by T.
Protein change: p.Gly147Trp; replaces glycine 147 with tryptophan.
Molecular consequence: missense variant.
Genome position (GRCh38, 1-based): chr15:43,075,068, C>A on the plus strand (G>T on the coding strand, the complement: UBR1 is on the minus strand). VCF-style: chr15-43075068-C-A. GRCh37 (hg19) VCF-style: chr15-43367266-C-A.
Other names: short protein forms G147W.
Identifiers: ClinVar variation 2703310 (VCV002703310.3), dbSNP rs2543031270, ClinGen allele CA392082623.
Genomic context (GRCh38, chr15:43,075,068, plus strand): 5'-CATGATTTACACAAAAAGGGCCAGTTTTCCATGCCTCTGTGTCTCCACAGTCACAGAACC[C>A]TCCTCCAGTAGAAGTATGCATCTGATAAAGGAAAAATGAGTTTGTCTTGATTTCAAACAT-3'
Protein context (NP_777576.1, residues 137-157): RYKMHTSTGG[Gly147Trp]FCDCGDTEAW